The following is an entry in ClinVar:

ClinVar aggregate classification (germline): Uncertain significance (1 of 4 stars; one submission).

Submission:

Women's Health and Genetics/Laboratory Corporation of America, LabCorp
Classification: Uncertain significance. Last evaluated: 2024-05-28. Review status: criteria provided, single submitter. Criteria: LabCorp Variant Classification Summary - May 2015. Collection method: clinical testing. Allele origin: germline.
Comment: Variant summary: AGO2 c.2452G>A (p.Val818Met) results in a conservative amino acid change located in the Piwi domain (IPR003165) of the encoded protein sequence. Four of five in-silico tools predict a benign effect of the variant on protein function. The variant was absent in 250522 control chromosomes (gnomAD). The available data on variant occurrences in the general population are insufficient to allow any conclusion about variant significance. To our knowledge, no occurrence of c.2452G>A in individuals affected with Lessel-Kreienkamp Syndrome and no experimental evidence demonstrating its impact on protein function have been reported. No submitters have cited clinical-significance assessments for this variant to ClinVar. Based on the evidence outlined above, the variant was classified as uncertain significance.

NM_012154.5(AGO2):c.2452G>A (p.Val818Met)

Gene: AGO2 (argonaute RISC catalytic component 2; minus strand). Cytogenetic location: 8q24.3.
Variant type: single nucleotide variant.
Coding change: c.2452G>A on transcript NM_012154.5 (MANE Select); coding-DNA position 2452, G replaced by A.
Protein change: p.Val818Met; replaces valine 818 with methionine.
Molecular consequence: missense variant.
Genome position (GRCh38, 1-based): chr8:140,532,435, C>T on the plus strand (G>A on the coding strand, the complement: AGO2 is on the minus strand). VCF-style: chr8-140532435-C-T. GRCh37 (hg19) VCF-style: chr8-141542534-C-T.
Other names: c.2350G>A, p.Val784Met (NM_001164623.3); short protein forms V784M, V818M.
Identifiers: ClinVar variation 3336362 (VCV003336362.1).